The following is an entry in ClinVar:

NC_000016.9:g.(?_68835563)_(68867412_?)dup

Gene: CDH1 (cadherin 1; plus strand). Cytogenetic location: 16q22.1.
Variant type: Duplication.
Identifiers: ClinVar variation 644822 (VCV000644822.2).

ClinVar aggregate classification (germline): Uncertain significance (1 of 4 stars; one submission).

Conditions:
Hereditary diffuse gastric adenocarcinoma (HDGC). Also called: DIFFUSE GASTRIC AND LOBULAR BREAST CANCER SYNDROME. Identifiers: Orphanet 26106, MedGen C1708349, MONDO:0007648, OMIM 137215.

Submission:

Labcorp Genetics (formerly Invitae), Labcorp
Classification: Uncertain significance for Hereditary diffuse gastric cancer. Last evaluated: 2019-06-05. Review status: criteria provided, single submitter. Criteria: Invitae Variant Classification Sherloc (09022015). Collection method: clinical testing. Allele origin: germline.
Comment: This variant is a gross duplication of the genomic region encompassing exons 3-16 of the CDH1 gene. The 5' boundary is likely confined to intron 2. The 3' end of this event is unknown as it extends beyond the assayed region for this gene and therefore may encompass additional genes. Duplications of exons 3-16 have not been reported in the literature in individuals with CDH1-related disease. In summary, the available evidence is currently insufficient to determine the role of this variant in disease. Therefore, it has been classified as a Variant of Uncertain Significance.